The following is an entry in ClinVar:

NM_002473.6(MYH9):c.1271G>T (p.Arg424Leu)

Gene: MYH9 (myosin heavy chain 9; minus strand). Cytogenetic location: 22q12.3.
Variant type: single nucleotide variant.
Coding change: c.1271G>T on transcript NM_002473.6 (MANE Select); coding-DNA position 1271, G replaced by T.
Protein change: p.Arg424Leu; replaces arginine 424 with leucine.
Molecular consequence: missense variant.
Genome position (GRCh38, 1-based): chr22:36,316,626, C>A on the plus strand (G>T on the coding strand, the complement: MYH9 is on the minus strand). VCF-style: chr22-36316626-C-A. GRCh37 (hg19) VCF-style: chr22-36712671-C-A.
Other names: short protein forms R424L.
Identifiers: ClinVar variation 3235196 (VCV003235196.1), dbSNP rs1321659356.

ClinVar aggregate classification (germline): Uncertain significance (1 of 4 stars; one submission).

Conditions:
Macrothrombocytopenia and granulocyte inclusions with or without nephritis or sensorineural hearing loss (MATINS). Also called: MAY-HEGGLIN ANOMALY; DOHLE LEUKOCYTE INCLUSIONS WITH GIANT PLATELETS; MACROTHROMBOCYTOPENIA WITH LEUKOCYTE INCLUSIONS; BLEEDING DISORDER, PLATELET-TYPE, 6; SEBASTIAN PLATELET SYNDROME; MACROTHROMBOCYTOPENIA WITH DISPERSED LEUKOCYTIC INCLUSIONS. Identifiers: Orphanet 182050, MedGen C5200934, MONDO:0015912, OMIM 155100.

Submission:

MVZ Medizinische Genetik Mainz
Classification: Uncertain significance for Macrothrombocytopenia and granulocyte inclusions with or without nephritis or sensorineural hearing loss. Last evaluated: 2021-07-30. Review status: criteria provided, single submitter. Criteria: UK Practice Guidelines For Variant Classification V4 01 2020. Collection method: clinical testing. Allele origin: germline. Inheritance: Autosomal dominant inheritance. Affected: yes. Observed: 1 variant allele.
Comment: ACMG Criteria: PM5, PM2_SUP, PP3 (ACMG Version 3)